The following is an entry in ClinVar:

ClinVar aggregate classification (germline): Pathogenic (1 of 4 stars; one submission).

Conditions:
Fanconi anemia complementation group O. Also called: RAD51C-Related Fanconi Anemia. Identifiers: Orphanet 84, MedGen C3150653, MONDO:0013248, OMIM 613390.

Submission:

Labcorp Genetics (formerly Invitae), Labcorp
Classification: Pathogenic for Fanconi anemia complementation group O. Last evaluated: 2023-03-26. Review status: criteria provided, single submitter. Criteria: Invitae Variant Classification Sherloc (09022015). Collection method: clinical testing. Allele origin: germline.
Comment: This sequence change falls in intron 5 of the RAD51C gene. It does not directly change the encoded amino acid sequence of the RAD51C protein. RNA analysis indicates that this variant induces altered splicing and likely results in a shortened protein product. This variant is not present in population databases (gnomAD no frequency). This variant has not been reported in the literature in individuals affected with RAD51C-related conditions. Variants that disrupt the consensus splice site are a relatively common cause of aberrant splicing (PMID: 17576681, 9536098). Studies have shown that this variant results in skipping of 5, but is expected to preserve the integrity of the reading-frame (Invitae). This variant disrupts a region of the RAD51C protein in which other variant(s) (p.Arg258His) have been determined to be pathogenic (PMID: 20400963, 22167183, 25154786, 26354865, 26740214, 32054657, 32242007). This suggests that this is a clinically significant region of the protein, and that variants that disrupt it are likely to be disease-causing. For these reasons, this variant has been classified as Pathogenic.

Literature cited by the submitters: PubMed 17576681; PubMed 9536098; PubMed 20400963; PubMed 22167183; PubMed 25154786; PubMed 26354865; PubMed 26740214; PubMed 32054657; PubMed 32242007.

NM_058216.3(RAD51C):c.837+5G>A

Gene: RAD51C (RAD51 paralog C; plus strand). Cytogenetic location: 17q22.
Variant type: single nucleotide variant.
Coding change: c.837+5G>A on transcript NM_058216.3 (MANE Select); 5 bases into the intron after coding-DNA position 837, G replaced by A.
Molecular consequence: intron variant.
Genome position (GRCh38, 1-based): chr17:58,709,995, G>A. VCF-style: chr17-58709995-G-A. GRCh37 (hg19) VCF-style: chr17-56787356-G-A.
Identifiers: ClinVar variation 2849618 (VCV002849618.3), dbSNP rs1567799952, ClinGen allele CA2739268269.